The following is an entry in ClinVar:

ClinVar aggregate classification (germline): Likely benign (0 of 4 stars; one submission).

Conditions:
COQ2-related disorder. Also called: COQ2-related condition.

Submission:

PreventionGenetics, part of Exact Sciences
Classification: Likely benign for COQ2-related condition. Last evaluated: 2024-08-10. Review status: no assertion criteria provided. Collection method: clinical testing. Allele origin: germline.
Comment: This variant is classified as likely benign based on ACMG/AMP sequence variant interpretation guidelines (Richards et al. 2015 PMID: 25741868, with internal and published modifications).

NM_001358921.2(COQ2):c.*1TGAA[1] (p.Ter372=)

Gene: COQ2 (coenzyme Q2, polyprenyltransferase; minus strand). Cytogenetic location: 4q21.23.
Variant type: Microsatellite.
Coding change: c.*1TGAA[1] on transcript NM_001358921.2 (MANE Select); one copy of the 4-base unit TGAA starting at c.*1; the reference has two copies in a row; one copy, 4 bases deleted.
Protein change: p.Ter372=.
Molecular consequence: no sequence alteration.
Genome position (GRCh38, 1-based): chr4:83,264,191-83,264,194, TTCA deleted on the plus strand (TGAA on the coding strand, the reverse complement: COQ2 is on the minus strand); deleting any 4 consecutive bases within chr4:83,264,191-83,264,200 gives the same sequence; the position shown is the placement nearest the transcript's 3' end. VCF-style (leftmost placement, unchanged base first): chr4-83264190-TTTCA-T. GRCh37 (hg19) VCF-style: chr4-84185343-TTTCA-T.
Other names: c.*1TGAA[1], p.Ter422= (NM_015697.9).
Identifiers: ClinVar variation 3345369 (VCV003345369.1).